The following is an entry in ClinVar:

ClinVar aggregate classification (germline): Uncertain significance (1 of 4 stars; one submission).

Submission:

Labcorp Genetics (formerly Invitae), Labcorp
Classification: Uncertain significance. Last evaluated: 2020-12-27. Review status: criteria provided, single submitter. Criteria: Invitae Variant Classification Sherloc (09022015). Collection method: clinical testing. Allele origin: germline.
Comment: In summary, the available evidence is currently insufficient to determine the role of this variant in disease. Therefore, it has been classified as a Variant of Uncertain Significance. Nucleotide substitutions within the consensus splice site are a relatively common cause of aberrant splicing (PMID: 17576681, 9536098). Algorithms developed to predict the effect of sequence changes on RNA splicing suggest that this variant may disrupt the consensus splice site, but this prediction has not been confirmed by published transcriptional studies. This variant has not been reported in the literature in individuals with POLR3A-related conditions. This variant is not present in population databases (ExAC no frequency). This sequence change falls in intron 3 of the POLR3A gene. It does not directly change the encoded amino acid sequence of the POLR3A protein. It affects a nucleotide within the consensus splice site of the intron.

Literature cited by the submitters: PubMed 17576681; PubMed 9536098.

NM_007055.4(POLR3A):c.318+5G>A

Genes: POLR3A (RNA polymerase III subunit A; minus strand), LOC126860971 (CDK7 strongly-dependent group 2 enhancer GRCh37_chr10:79784551-79785750; plus strand). Cytogenetic location: 10q22.3.
Variant type: single nucleotide variant.
Coding change: c.318+5G>A on transcript NM_007055.4 (MANE Select); 5 bases into the intron after coding-DNA position 318, G replaced by A.
Molecular consequence: intron variant.
Genome position (GRCh38, 1-based): chr10:78,025,617, C>T on the plus strand (G>A on the coding strand, the complement: POLR3A is on the minus strand). VCF-style: chr10-78025617-C-T. GRCh37 (hg19) VCF-style: chr10-79785375-C-T.
Identifiers: ClinVar variation 1498033 (VCV001498033.6), dbSNP rs2131961521, ClinGen allele CA2573145788.